The following is an entry in ClinVar:

NM_004991.4(MECOM):c.1290G>C (p.Lys430Asn)

Gene: MECOM (MDS1 and EVI1 complex locus; minus strand). Cytogenetic location: 3q26.2.
Variant type: single nucleotide variant.
Coding change: c.1290G>C on transcript NM_004991.4 (MANE Select); coding-DNA position 1290, G replaced by C.
Protein change: p.Lys430Asn; replaces lysine 430 with asparagine.
Molecular consequence: missense variant. On other transcripts: intron variant (2).
Genome position (GRCh38, 1-based): chr3:169,116,582, C>G on the plus strand (G>C on the coding strand, the complement: MECOM is on the minus strand). VCF-style: chr3-169116582-C-G. GRCh37 (hg19) VCF-style: chr3-168834370-C-G.
Other names: c.921G>C, p.Lys307Asn (NM_001105077.4); c.726G>C, p.Lys242Asn (NM_001105078.4, NM_001164000.2, NM_001205194.2 and 4 more transcripts); c.729G>C, p.Lys243Asn (NM_001163999.2, NM_001366467.2, NM_001366468.2 and 1 more transcripts); c.1290G>C, p.Lys430Asn (NM_001366466.2); c.1133-815G>C (NM_001366473.2); c.569-815G>C (NM_001366474.2); short protein forms K243N, K242N, K307N, K430N.
Identifiers: ClinVar variation 3871791 (VCV003871791.1).
Genomic context (GRCh38, chr3:169,116,582, plus strand): 5'-AGCTGGGGTTCCAGGAAGTGAAATGCCTTGGCCAAAAAATCCACCTGCCGCAAAATGGTT[C>G]TTGCCCTCACAAAACCTCCTGTGTTTATTTAAGGAAGACGTAGTGCTGAACATTTGTCCA-3'
Protein context (NP_004982.2, residues 420-440): LNKHRRFCEG[Lys430Asn]NHFAAGGFFG

ClinVar aggregate classification (germline): Uncertain significance (1 of 4 stars; one submission).

Conditions:
Inborn genetic diseases. Identifiers: MedGen C0950123, MeSH D030342.

Submission:

Ambry Genetics
Classification: Uncertain significance for Inborn genetic diseases. Last evaluated: 2025-02-02. Review status: criteria provided, single submitter. Criteria: Ambry Variant Classification Scheme 2023. Collection method: clinical testing. Allele origin: germline.
Comment: The p.K430N variant (also known as c.1290G>C), located in coding exon 8 of the MECOM gene, results from a G to C substitution at nucleotide position 1290. The lysine at codon 430 is replaced by asparagine, an amino acid with similar properties. This amino acid position is conserved. In addition, this alteration is predicted to be tolerated by in silico analysis. Based on the available evidence, the clinical significance of this variant remains unclear.